The following is an entry in ClinVar:

ClinVar aggregate classification (germline): Uncertain significance. Review status: criteria provided, multiple submitters, no conflicts (2 of 4 stars). 3 submissions from 3 submitters: Uncertain significance (3). Last evaluated 2024-06-07.

Conditions:
Pheochromocytoma. Also called: MAX-Related Hereditary Paraganglioma-Pheochromocytoma Syndrome. Identifiers: Orphanet 29072, MedGen C0031511, MONDO:0008233, OMIM 171300, HP:0002666.
Gastrointestinal stromal tumor. Also called: Gastrointestinal stromal tumor, somatic; Gastrointestinal stroma tumor. Identifiers: Orphanet 44890, MedGen C0238198, MeSH D046152, MONDO:0011719, OMIM 606764, HP:0100723.
Pheochromocytoma/paraganglioma syndrome 4. Also called: CAROTID BODY TUMORS AND MULTIPLE EXTRAADRENAL PHEOCHROMOCYTOMAS; PARAGANGLIOMA, FAMILIAL MALIGNANT; PARAGANGLIOMAS, HEREDITARY EXTRAADRENAL; PHEOCHROMOCYTOMA, FAMILIAL EXTRAADRENAL; Paragangliomas 4; SDHB-Related Hereditary Paraganglioma-Pheochromocytoma Syndrome (Paragangliomas 4). Identifiers: Orphanet 29072, MedGen C1861848, MONDO:0007273, OMIM 115310.
Hereditary pheochromocytoma and paraganglioma. Also called: Hereditary pheochromocytoma-paraganglioma; Hereditary Paraganglioma-Pheochromocytoma Syndromes; Hereditary paragangliomas and pheochromocytomas. Identifiers: Orphanet 29072, MedGen C4274332, MONDO:0017366.
Hereditary cancer-predisposing syndrome. Also called: Neoplastic Syndromes, Hereditary; Hereditary neoplastic syndrome; Tumor predisposition; Hereditary Cancer Syndrome. Identifiers: Orphanet 140162, MedGen C0027672, MeSH D009386, MONDO:0015356.

Allele frequency attached by ClinVar (database versions not stated): TOPMed below 0.00001.

Submissions (3):

Ambry Genetics
Classification: Uncertain significance for Hereditary cancer-predisposing syndrome. Last evaluated: 2024-06-07. Review status: criteria provided, single submitter. Criteria: Ambry Variant Classification Scheme 2023. Collection method: clinical testing. Allele origin: germline.
Comment: The p.A43V variant (also known as c.128C>T), located in coding exon 2 of the SDHB gene, results from a C to T substitution at nucleotide position 128. The alanine at codon 43 is replaced by valine, an amino acid with similar properties. This amino acid position is well conserved in available vertebrate species. In addition, the in silico prediction for this alteration is inconclusive. Based on the available evidence, the clinical significance of this variant remains unclear.

Labcorp Genetics (formerly Invitae), Labcorp
Classification: Uncertain significance for Gastrointestinal stromal tumor; Pheochromocytoma/paraganglioma syndrome 4; Pheochromocytoma. Last evaluated: 2023-09-04. Review status: criteria provided, single submitter. Criteria: Invitae Variant Classification Sherloc (09022015). Collection method: clinical testing. Allele origin: germline.
Comment: This variant disrupts the p.Ala43 amino acid residue in SDHB. Other variant(s) that disrupt this residue have been determined to be pathogenic (PMID: 14500403, 19454582, 22492777, 25972245). This suggests that this residue is clinically significant, and that variants that disrupt this residue are likely to be disease-causing. Advanced modeling of protein sequence and biophysical properties (such as structural, functional, and spatial information, amino acid conservation, physicochemical variation, residue mobility, and thermodynamic stability) performed at Invitae indicates that this missense variant is not expected to disrupt SDHB protein function. This variant has not been reported in the literature in individuals affected with SDHB-related conditions. This variant is not present in population databases (gnomAD no frequency). This sequence change replaces alanine, which is neutral and non-polar, with valine, which is neutral and non-polar, at codon 43 of the SDHB protein (p.Ala43Val). In summary, the available evidence is currently insufficient to determine the role of this variant in disease. Therefore, it has been classified as a Variant of Uncertain Significance.

All of Us Research Program, National Institutes of Health
Classification: Uncertain significance for Hereditary pheochromocytoma and paraganglioma. Last evaluated: 2023-05-04. Review status: criteria provided, single submitter. Criteria: ACMG Guidelines, 2015. Collection method: clinical testing. Allele origin: germline. Inheritance: Autosomal dominant inheritance. Observed: 1 variant allele, 1 heterozygote.
Comment: This missense variant replaces alanine with valine at codon 43 of the SDHB protein. Computational prediction is inconclusive regarding the impact of this variant on protein structure and function (internally defined REVEL score threshold 0.5 < inconclusive < 0.7, PMID: 27666373). To our knowledge, functional studies have not been reported for this variant. This variant has not been reported in individuals affected with SDHB-related disorders in the literature. This variant has not been identified in the general population by the Genome Aggregation Database (gnomAD). The available evidence is insufficient to determine the role of this variant in disease conclusively. Therefore, this variant is classified as a Variant of Uncertain Significance.

This study involves interpretation of variants in research participants for the purpose of population health screening. Participant phenotype was not available at the time of variant classification. Additional details can be found in publication PMID: 35346344, PMCID: PMC8962531

Literature cited by the submitters: PubMed 14500403 (cited by Labcorp Genetics (formerly Invitae), Labcorp); PubMed 19454582 (cited by Labcorp Genetics (formerly Invitae), Labcorp); PubMed 22492777 (cited by Labcorp Genetics (formerly Invitae), Labcorp); PubMed 25972245 (cited by Labcorp Genetics (formerly Invitae), Labcorp).

NM_003000.3(SDHB):c.128C>T (p.Ala43Val)

Gene: SDHB (succinate dehydrogenase complex iron sulfur subunit B; minus strand). Cytogenetic location: 1p36.13.
Variant type: single nucleotide variant.
Coding change: c.128C>T on transcript NM_003000.3 (MANE Select); coding-DNA position 128, C replaced by T.
Protein change: p.Ala43Val; replaces alanine 43 with valine.
Molecular consequence: missense variant.
Genome position (GRCh38, 1-based): chr1:17,044,833, G>A on the plus strand (C>T on the coding strand, the complement: SDHB is on the minus strand). VCF-style: chr1-17044833-G-A. GRCh37 (hg19) VCF-style: chr1-17371328-G-A.
Other names: c.128C>T, p.Ala43Val (NM_001407361.1); short protein forms A43V.
Identifiers: ClinVar variation 2951573 (VCV002951573.5), dbSNP rs2078100382, ClinGen allele CA338228143.